The following is an entry in ClinVar:

NM_201253.3(CRB1):c.222C>A (p.Cys74Ter)

Gene: CRB1 (crumbs cell polarity complex component 1; plus strand). Cytogenetic location: 1q31.3.
Variant type: single nucleotide variant.
Coding change: c.222C>A on transcript NM_201253.3 (MANE Select); coding-DNA position 222, C replaced by A.
Protein change: p.Cys74Ter; replaces cysteine 74 with a stop codon.
Molecular consequence: nonsense. On other transcripts: non-coding transcript variant (2).
Genome position (GRCh38, 1-based): chr1:197,328,573, C>A. VCF-style: chr1-197328573-C-A. GRCh37 (hg19) VCF-style: chr1-197297703-C-A.
Other names: c.222C>A, p.Cys74Ter (NM_001193640.2, NM_001257966.2); c.15C>A, p.Cys5Ter (NM_001257965.2); short protein forms C5*, C74*.
Identifiers: ClinVar variation 2928308 (VCV002928308.3), dbSNP rs772819260, ClinGen allele CA344085303.
Genomic context (GRCh38, chr1:197,328,573, plus strand): 5'-TTCTTGTTCAGACACAGCCAATAATTTGGACAAAGACTGTGACAACATGAAAGACCCTTG[C>A]TTCTCCAATCCCTGTCAAGGAAGTGCCACTTGTGTGAACACCCCAGGAGAAAGGAGCTTT-3'

ClinVar aggregate classification (germline): Pathogenic (1 of 4 stars; one submission).

Conditions:
Retinitis pigmentosa 12 (RP12). Also called: RP WITH OR WITHOUT PRESERVED PARAARTERIOLE RETINAL PIGMENT EPITHELIUM; RETINITIS PIGMENTOSA WITH OR WITHOUT PARAARTERIOLAR PRESERVATION OF RETINAL PIGMENT EPITHELIUM; RP WITH OR WITHOUT PPRPE. Identifiers: Orphanet 791, MedGen C1838647, MONDO:0010818, OMIM 600105.
Leber congenital amaurosis 8 (LCA8). Identifiers: Orphanet 65, MedGen C3151202, MONDO:0013453, OMIM 613835.

gnomAD v4.1: 1 of 1,614,108 alleles (0.000062%); highest among the groups gnomAD compares: Non-Finnish European, 0.000085%; no homozygotes.

Submission:

Labcorp Genetics (formerly Invitae), Labcorp
Classification: Pathogenic for Leber congenital amaurosis 8; Retinitis pigmentosa 12. Last evaluated: 2023-08-14. Review status: criteria provided, single submitter. Criteria: Invitae Variant Classification Sherloc (09022015). Collection method: clinical testing. Allele origin: germline.
Comment: This sequence change creates a premature translational stop signal (p.Cys74*) in the CRB1 gene. It is expected to result in an absent or disrupted protein product. Loss-of-function variants in CRB1 are known to be pathogenic (PMID: 10508521, 22065545, 23379534, 25412400, 26957898, 28041643, 29391521). This variant is present in population databases (no rsID available, gnomAD 0.007%). This variant has not been reported in the literature in individuals affected with CRB1-related conditions. For these reasons, this variant has been classified as Pathogenic.

Literature cited by the submitters: PubMed 10508521; PubMed 22065545; PubMed 23379534; PubMed 25412400; PubMed 26957898; PubMed 28041643; PubMed 29391521.